The following is an entry in ClinVar:

NM_000268.4(NF2):c.800G>A (p.Ser267Asn)

Gene: NF2 (NF2, moesin-ezrin-radixin like (MERLIN) tumor suppressor; plus strand). Cytogenetic location: 22q12.2.
Variant type: single nucleotide variant.
Coding change: c.800G>A on transcript NM_000268.4 (MANE Select); coding-DNA position 800, G replaced by A.
Protein change: p.Ser267Asn; replaces serine 267 with asparagine.
Molecular consequence: missense variant. On other transcripts: non-coding transcript variant (1), intron variant (4).
Genome position (GRCh38, 1-based): chr22:29,661,329, G>A. VCF-style: chr22-29661329-G-A. GRCh37 (hg19) VCF-style: chr22-30057318-G-A.
Other names: c.686G>A, p.Ser229Asn (NM_001407053.1, NM_001407056.1); c.677G>A, p.Ser226Asn (NM_001407054.1, NM_001407058.1, NM_181829.3); c.674G>A, p.Ser225Asn (NM_001407055.1, NM_181828.3); c.800G>A, p.Ser267Asn (NM_001407060.1, NM_001407066.1, NM_016418.5 and 2 more transcripts); c.551G>A, p.Ser184Asn (NM_001407063.1, NM_001407064.1, NM_181830.3 and 1 more transcripts); c.266G>A, p.Ser89Asn (NM_001407065.1); c.569G>A, p.Ser190Asn (NM_001407067.1); c.675+3065G>A (NM_001407059.1, NM_001407057.1); and 2 more; short protein forms S184N, S226N, S267N, S89N, S229N, S225N, S190N.
Identifiers: ClinVar variation 4661334 (VCV004661334.1).

ClinVar aggregate classification (germline): Uncertain significance (1 of 4 stars; one submission).

Conditions:
Hereditary cancer-predisposing syndrome. Also called: Neoplastic Syndromes, Hereditary; Tumor predisposition; Hereditary Cancer Syndrome; Hereditary neoplastic syndrome. Identifiers: Orphanet 140162, MedGen C0027672, MeSH D009386, MONDO:0015356.

Submission:

Ambry Genetics
Classification: Uncertain significance for Hereditary cancer-predisposing syndrome. Last evaluated: 2025-10-01. Review status: criteria provided, single submitter. Criteria: Ambry Variant Classification Scheme 2023. Collection method: clinical testing. Allele origin: germline.
Comment: The p.S267N variant (also known as c.800G>A), located in coding exon 8 of the NF2 gene, results from a G to A substitution at nucleotide position 800. The serine at codon 267 is replaced by asparagine, an amino acid with highly similar properties. This amino acid position is conserved. In addition, this alteration is predicted to be tolerated by in silico analysis. Based on the available evidence, the clinical significance of this variant remains unclear.